The following is an entry in ClinVar:

ClinVar aggregate classification (germline): Uncertain significance (1 of 4 stars; one submission).

Submission:

Labcorp Genetics (formerly Invitae), Labcorp
Classification: Uncertain significance. Last evaluated: 2023-03-06. Review status: criteria provided, single submitter. Criteria: Invitae Variant Classification Sherloc (09022015). Collection method: clinical testing. Allele origin: germline.
Comment: In summary, the available evidence is currently insufficient to determine the role of this variant in disease. Therefore, it has been classified as a Variant of Uncertain Significance. An algorithm developed to predict the effect of missense changes on protein structure and function (PolyPhen-2) suggests that this variant is likely to be disruptive. This variant has not been reported in the literature in individuals affected with AP3D1-related conditions. This variant is not present in population databases (gnomAD no frequency). This sequence change replaces glutamic acid, which is acidic and polar, with alanine, which is neutral and non-polar, at codon 395 of the AP3D1 protein (p.Glu395Ala).

NM_001261826.3(AP3D1):c.1184A>C (p.Glu395Ala)

Gene: AP3D1 (adaptor related protein complex 3 subunit delta 1; minus strand). Cytogenetic location: 19p13.3.
Variant type: single nucleotide variant.
Coding change: c.1184A>C on transcript NM_001261826.3 (MANE Select); coding-DNA position 1184, A replaced by C.
Protein change: p.Glu395Ala; replaces glutamic acid 395 with alanine.
Molecular consequence: missense variant.
Genome position (GRCh38, 1-based): chr19:2,121,229, T>G on the plus strand (A>C on the coding strand, the complement: AP3D1 is on the minus strand). VCF-style: chr19-2121229-T-G. GRCh37 (hg19) VCF-style: chr19-2121228-T-G.
Other names: c.1184A>C, p.Glu395Ala (NM_001374799.1, NM_003938.8); short protein forms E395A.
Identifiers: ClinVar variation 2843170 (VCV002843170.3), dbSNP rs2512173322, ClinGen allele CA403224054.